The following is an entry in ClinVar:

ClinVar aggregate classification (germline): Pathogenic. Review status: criteria provided, multiple submitters, no conflicts (2 of 4 stars). 12 submissions from 12 submitters: Pathogenic (10). 2 of the submissions do not count toward it. Last evaluated 2026-06-06.

Conditions:
COL7A1-related disorder. Also called: COL7A1- related disorders; COL7A1-related condition.
Epidermolysis bullosa dystrophica. Also called: Dystrophic epidermolysis bullosa, Hallopeau-Siemens type (formerly); Dystrophic epidermolysis bullosa. Identifiers: Orphanet 303, MedGen C0079294, MONDO:0006543.
Epidermolysis bullosa pruriginosa. Also called: DEB, PRURIGINOSA; DYSTROPHIC EPIDERMOLYSIS BULLOSA PRURIGINOSA. Identifiers: Orphanet 89843, MedGen C1275114, MONDO:0011398, OMIM 604129.
Transient bullous dermolysis of the newborn (TBDN). Also called: DYSTROPHIC EPIDERMOLYSIS BULLOSA, NEONATAL; EPIDERMOLYSIS BULLOSA DYSTROPHICA, NEONATAL FORM. Identifiers: Orphanet 79411, MedGen C1851573, MONDO:0007548, OMIM 131705.
Recessive dystrophic epidermolysis bullosa (RDEB). Also called: severe generalized recessive dystrophic epidermolysis bullosa; Epidermolysis Bullosa Distrophica Autosomal Recessive (RDEB); EPIDERMOLYSIS BULLOSA DYSTROPHICA, GENERALIZED SEVERE, AUTOSOMAL RECESSIVE; Recessive DEB (RDEB); epidermolysis bullosa dystrophica, autosomal recessive; Hallopeau-Siemens Disease. Identifiers: Orphanet 79408, Orphanet 79409, MedGen C0079474, MONDO:0009179, OMIM 226600.
Generalized dominant dystrophic epidermolysis bullosa (DDEB). Also called: DDEB, generalized; DDEB-gen; DYSTROPHIC EPIDERMOLYSIS BULLOSA, AUTOSOMAL DOMINANT; Epidermolysis bullosa dystrophica, autosomal dominant; Dominant DEB (DDEB). Identifiers: Orphanet 231568, MedGen C0432322, MONDO:0007549, OMIM 131750.
Dominant dystrophic epidermolysis bullosa with absence of skin. Also called: EPIDERMOLYSIS BULLOSA WITH CONGENITAL LOCALIZED ABSENCE OF SKIN AND DEFORMITY OF NAILS; EPIDERMOLYSIS BULLOSA DYSTROPHICA, BART TYPE. Identifiers: MedGen C0268371, MONDO:0007557, OMIM 132000.
Pretibial dystrophic epidermolysis bullosa. Also called: Pretibial blistering; Pretibial epidermolysis bullosa; EPIDERMOLYSIS BULLOSA DYSTROPHICA, PRETIBIAL. Identifiers: Orphanet 79410, MedGen C0432321, MONDO:0007552, OMIM 131850, HP:0012221.
Nonsyndromic congenital nail disorder 8. Also called: TOENAIL DYSTROPHY, ISOLATED. Identifiers: MedGen C1843761, MONDO:0011852, OMIM 607523.

Submissions (12):

PreventionGenetics, part of Exact Sciences
Classification: Pathogenic for COL7A1-related condition. Last evaluated: 2026-06-06. Review status: criteria provided, single submitter. Criteria: ACMG Guidelines, 2015. Collection method: clinical testing. Allele origin: germline.
Comment: The COL7A1 c.3840delC variant is predicted to result in a frameshift and premature protein termination (p.Gly1281Valfs*44). This variant has been reported in the compound heterozygous state in individuals with dystrophic epidermolysis bullosa (see, for example, Mahto et al. 2013. PubMed ID: 23786535; Tolar et al. 2014. PubMed ID: 24317394; Youssefian et al. 2021. PubMed ID: 33969388; Table S2, Natale et al. 2022. PubMed ID: 35979658). This variant is reported in 0.0035% of alleles in individuals of European (Non-Finnish) descent in gnomAD. Frameshift variants in COL7A1 are expected to be pathogenic. This variant is interpreted as pathogenic.

Labcorp Genetics (formerly Invitae), Labcorp
Classification: Pathogenic. Last evaluated: 2026-01-23. Review status: criteria provided, single submitter. Criteria: Invitae Variant Classification Sherloc (09022015). Collection method: clinical testing. Allele origin: germline.
Comment: This sequence change creates a premature translational stop signal (p.Gly1281Valfs*44) in the COL7A1 gene. It is expected to result in an absent or disrupted protein product. Loss-of-function variants in COL7A1 are known to be pathogenic (PMID: 16971478). This variant is present in population databases (rs757688782, gnomAD 0.003%). This premature translational stop signal has been observed in individual(s) with autosomal recessive epidermolysis bullosa dystrophica (PMID: 10504458, 16971478, 23786535, 24317394). In at least one individual the data is consistent with being in trans (on the opposite chromosome) from a pathogenic variant. ClinVar contains an entry for this variant (Variation ID: 372332). For these reasons, this variant has been classified as Pathogenic.

Natera, Inc.
Classification: Pathogenic for Dystrophic epidermolysis bullosa. Last evaluated: 2025-11-05. Review status: criteria provided, single submitter. Criteria: Natera Variant Classification Schema (03/2026). Collection method: clinical testing. Allele origin: germline.
Comment: The c.3840delC variant in COL7A1 is a frameshift variant predicted to shift the reading frame beginning at codon 1281 and leads to a stop codon 44 codons downstream. This variant is expected to result in nonsense mediated decay, truncation, or a dysfunctional protein product. This variant is rare in the general population with a frequency below the threshold expected for the associated phenotype(s). This variant has been observed in one or more individuals affected with the associated recessive disease, as either homozygous or compound heterozygous with a second variant (PMID: 16971478). Given the available evidence, this variant is classified as Pathogenic.

Victorian Clinical Genetics Services, Murdoch Childrens Research Institute
Classification: Pathogenic for Recessive dystrophic epidermolysis bullosa. Last evaluated: 2025-03-27. Review status: criteria provided, single submitter. Criteria: ACMG Guidelines, 2015. Collection method: clinical testing. Allele origin: germline.
Comment: This variant is classified as Pathogenic. Evidence in support of pathogenic classification: Variant is predicted to cause nonsense-mediated decay (NMD) and loss of protein (premature termination codon is located at least 54 nucleotides upstream of the final exon-exon junction); Variant is present in gnomAD <0.01 (5 heterozygotes, 0 homozygotes); This variant has strong previous evidence of pathogenicity in unrelated individuals. It has been reported in at least two individuals with recessive epidermolysis bullosa (PMIDs: 26446410, 23786535), and has been classified as pathogenic by multiple clinical laboratories (ClinVar); Other premature termination variants comparable to the one identified in this case have very strong previous evidence for pathogenicity. Many NMD-predicted variants in this gene have been reported as likely pathogenic/pathogenic (ClinVar). Additional information: This variant is heterozygous; This gene is associated with both recessive and dominant disease. The spectrum of dystrophic epidermolysis bullosa associated with this gene can be either autosomal dominant or recessive inheritance. Autosomal dominant epidermolysis bullosa dystrophica (MIM#131750) is typically associated with milder phenotypes, whereas autosomal recessive epidermolysis bullosa dystrophica (MIM#226600) is usually observed in more severe cases (OMIM). Premature termination variants resulting in complete absence of protein are usually associated with the most severe recessive dystrophic epidermolysis bullosa (PMID: 32506467); Dominant negative and loss of function are known mechanisms of disease in this gene and are associated with dystrophic epidermolysis bullosa (OMIM, PMID: 31670143); Variants in this gene are known to have variable expressivity. Severity ranges from involving only nails to generalized and severe blistering and scarring (PMID: 31670143).

CeGaT Center for Human Genetics Tuebingen
Classification: Pathogenic. Last evaluated: 2024-07-01. Review status: criteria provided, single submitter. Criteria: CeGaT Center For Human Genetics Tuebingen Variant Classification Criteria Version 2. Collection method: clinical testing. Allele origin: germline. Affected: yes. Observed: 1 variant allele.
Comment: COL7A1: PM3:Very Strong, PVS1, PM2, PP4

Fulgent Genetics
Classification: Pathogenic for Transient bullous dermolysis of the newborn; Generalized dominant dystrophic epidermolysis bullosa; Pretibial dystrophic epidermolysis bullosa; Dominant dystrophic epidermolysis bullosa with absence of skin; Recessive dystrophic epidermolysis bullosa; Epidermolysis bullosa pruriginosa; Nonsyndromic congenital nail disorder 8. Last evaluated: 2023-12-26. Review status: criteria provided, single submitter. Criteria: ACMG Guidelines, 2015. Collection method: clinical testing. Allele origin: germline.

Blueprint Genetics
Classification: Pathogenic for COL7A1-related disorders. Last evaluated: 2023-03-24. Review status: criteria provided, single submitter. Criteria: ACMG Guidelines, 2015. Collection method: clinical testing. Allele origin: germline. Affected: yes. Observed: 4 variant alleles.

GeneDx
Classification: Pathogenic. Last evaluated: 2022-05-26. Review status: criteria provided, single submitter. Criteria: GeneDx Variant Classification Process June 2021. Collection method: clinical testing. Allele origin: germline. Affected: yes.
Comment: Frameshift variant predicted to result in protein truncation or nonsense mediated decay in a gene for which loss-of-function is a known mechanism of disease; Not observed at a significant frequency in large population cohorts (gnomAD); This variant is associated with the following publications: (PMID: 28168442, 24317394, 20301481, 29500833, 29625052, 26689913, 34426522, 23786535, 16971478, 10504458)

Center for Research in Genodermatoses and Epidermolysis Bullosa, University of Buenos Aires
Classification: Pathogenic for Recessive dystrophic epidermolysis bullosa. Last evaluated: 2022-03-14. Review status: criteria provided, single submitter. Criteria: ACMG Guidelines, 2015. Collection method: clinical testing. Allele origin: paternal. Affected: yes. Observed: 1 variant allele, 1 compound heterozygote.

Revvity Omics, Revvity
Classification: Pathogenic. Last evaluated: 2021-11-14. Review status: criteria provided, single submitter. Criteria: ACMG Guidelines, 2015. Collection method: clinical testing. Allele origin: germline.

Division of Human Genetics, Children's Hospital of Philadelphia
Classification: Pathogenic for Transient bullous dermolysis of the newborn. Last evaluated: 2016-02-23. Review status: no assertion criteria provided. Collection method: research. Allele origin: paternal. Study: CSER-PediSeq. Not counted in ClinVar's aggregate classification.

GeneReviews
No classification provided. Condition: Generalized dominant dystrophic epidermolysis bullosa. Review status: no classification provided. Collection method: literature only. Allele origin: germline. Not counted in ClinVar's aggregate classification.

Literature cited by the submitters: PubMed 16971478 (cited by Labcorp Genetics (formerly Invitae), Labcorp and Natera, Inc.); PubMed 10504458 (cited by Labcorp Genetics (formerly Invitae), Labcorp and Center for Research in Genodermatoses and Epidermolysis Bullosa, University of Buenos Aires); PubMed 23786535 (cited by Labcorp Genetics (formerly Invitae), Labcorp and Victorian Clinical Genetics Services, Murdoch Childrens Research Institute); PubMed 24317394 (cited by Labcorp Genetics (formerly Invitae), Labcorp); PubMed 26446410 (cited by Victorian Clinical Genetics Services, Murdoch Childrens Research Institute); PubMed 31670143 (cited by Victorian Clinical Genetics Services, Murdoch Childrens Research Institute); PubMed 32506467 (cited by Victorian Clinical Genetics Services, Murdoch Childrens Research Institute); PubMed 35979658 (cited by Center for Research in Genodermatoses and Epidermolysis Bullosa, University of Buenos Aires).

NM_000094.4(COL7A1):c.3840del (p.Gly1281fs)

Gene: COL7A1 (collagen type VII alpha 1 chain; minus strand). Cytogenetic location: 3p21.31.
Variant type: Deletion.
Coding change: c.3840del on transcript NM_000094.4 (MANE Select); coding-DNA position 3840, one base deleted (C; older notation c.3840delC).
Protein change: p.Gly1281fs; shifts the reading frame from glycine 1281.
Molecular consequence: frameshift variant.
Genome position (GRCh38, 1-based): chr3:48,585,611, G deleted on the plus strand (C on the coding strand, the reverse complement: COL7A1 is on the minus strand); the first of 2 consecutive G bases (chr3:48,585,611-48,585,612); deleting either gives the same sequence. VCF-style (leftmost placement, unchanged base first): chr3-48585610-CG-C. GRCh37 (hg19) VCF-style: chr3-48623043-CG-C.
Other names: c.3840delC (NM_000094.3); short protein forms G1281fs.
Identifiers: ClinVar variation 372332 (VCV000372332.62), dbSNP rs757688782, ClinGen allele CA2380360.